The following is an entry in ClinVar:

ClinVar aggregate classification (germline): Uncertain significance (1 of 4 stars; one submission).

gnomAD v4.1: 3 of 1,609,360 alleles (0.00019%); highest among the groups gnomAD compares: Admixed American, 0.0033%; no homozygotes.

Submission:

Labcorp Genetics (formerly Invitae), Labcorp
Classification: Uncertain significance. Last evaluated: 2024-04-25. Review status: criteria provided, single submitter. Criteria: Invitae Variant Classification Sherloc (09022015). Collection method: clinical testing. Allele origin: germline.
Comment: This sequence change replaces glycine, which is neutral and non-polar, with glutamic acid, which is acidic and polar, at codon 1136 of the COL4A4 protein (p.Gly1136Glu). This variant is not present in population databases (gnomAD no frequency). This variant has not been reported in the literature in individuals affected with COL4A4-related conditions. Advanced modeling of protein sequence and biophysical properties (such as structural, functional, and spatial information, amino acid conservation, physicochemical variation, residue mobility, and thermodynamic stability) performed at Invitae indicates that this missense variant is expected to disrupt COL4A4 protein function with a positive predictive value of 95%. In summary, the available evidence is currently insufficient to determine the role of this variant in disease. Therefore, it has been classified as a Variant of Uncertain Significance.

NM_000092.5(COL4A4):c.3407G>A (p.Gly1136Glu)

Gene: COL4A4 (collagen type IV alpha 4 chain; minus strand). Cytogenetic location: 2q36.3.
Variant type: single nucleotide variant.
Coding change: c.3407G>A on transcript NM_000092.5 (MANE Select); coding-DNA position 3407, G replaced by A.
Protein change: p.Gly1136Glu; replaces glycine 1136 with glutamic acid.
Molecular consequence: missense variant.
Genome position (GRCh38, 1-based): chr2:227,042,246, C>T on the plus strand (G>A on the coding strand, the complement: COL4A4 is on the minus strand). VCF-style: chr2-227042246-C-T. GRCh37 (hg19) VCF-style: chr2-227906962-C-T.
Other names: short protein forms G1136E.
Identifiers: ClinVar variation 3619033 (VCV003619033.2).
Genomic context (GRCh38, chr2:227,042,246, plus strand): 5'-TGGAGGCCTCTTGGCCCAGGGTCTCCCATTTCTCCTGGCTGTCCCCTCAGCCCAGGCATC[C>T]CGTGATCACCTGAGGATGACAGGGAAGTTTTGCAGATGGCCAGATAATAAATGAATTACA-3'
Protein context (NP_000083.3, residues 1126-1146): SGPPGCPGDH[Gly1136Glu]MPGLRGQPGE